The following is an entry in ClinVar:

NM_198578.4(LRRK2):c.3362G>C (p.Gly1121Ala)

Gene: LRRK2 (leucine rich repeat kinase 2; plus strand). Cytogenetic location: 12q12.
Variant type: single nucleotide variant.
Coding change: c.3362G>C on transcript NM_198578.4 (MANE Select); coding-DNA position 3362, G replaced by C.
Protein change: p.Gly1121Ala; replaces glycine 1121 with alanine.
Molecular consequence: missense variant.
Genome position (GRCh38, 1-based): chr12:40,299,123, G>C. VCF-style: chr12-40299123-G-C. GRCh37 (hg19) VCF-style: chr12-40692925-G-C.
Other names: short protein forms G1121A.
Identifiers: ClinVar variation 1730630 (VCV001730630.2), dbSNP rs866752137, ClinGen allele CA384415493.
Genomic context (GRCh38, chr12:40,299,123, plus strand): 5'-ATATGAATTTATGCAATTTAATCATTATCTTGTCTCTTGTGACTAGAAATAAAATATCAG[G>C]GATATGCTCCCCCTTGAGACTGAAGGAACTGAAGATTTTAAACCTTAGTAAGAACCACAT-3'
Protein context (NP_940980.4, residues 1111-1131): QLILEGNKIS[Gly1121Ala]ICSPLRLKEL

ClinVar aggregate classification (germline): Uncertain significance (1 of 4 stars; one submission).

Conditions:
Inborn genetic diseases. Identifiers: MedGen C0950123, MeSH D030342.

Submission:

Ambry Genetics
Classification: Uncertain significance for Inborn genetic diseases. Last evaluated: 2022-03-04. Review status: criteria provided, single submitter. Criteria: Ambry Variant Classification Scheme 2023. Collection method: clinical testing. Allele origin: germline.
Comment: The p.G1121A variant (also known as c.3362G>C), located in coding exon 25 of the LRRK2 gene, results from a G to C substitution at nucleotide position 3362. The glycine at codon 1121 is replaced by alanine, an amino acid with similar properties. This amino acid position is conserved. In addition, this alteration is predicted to be tolerated by in silico analysis. Since supporting evidence is limited at this time, the clinical significance of this alteration remains unclear.